The following is an entry in ClinVar:

NM_000123.4(ERCC5):c.1802A>G (p.Glu601Gly)

Genes: BIVM-ERCC5 (BIVM-ERCC5 readthrough; plus strand), ERCC5 (ERCC excision repair 5, endonuclease; plus strand). Cytogenetic location: 13q33.1.
Variant type: single nucleotide variant.
Coding change: c.1802A>G on transcript NM_000123.4 (MANE Select); coding-DNA position 1802, A replaced by G.
Protein change: p.Glu601Gly; replaces glutamic acid 601 with glycine.
Molecular consequence: missense variant.
Genome position (GRCh38, 1-based): chr13:102,862,951, A>G. VCF-style: chr13-102862951-A-G. GRCh37 (hg19) VCF-style: chr13-103515301-A-G.
Other names: c.3164A>G, p.Glu1055Gly (NM_001204425.2); short protein forms E601G, E1055G.
Identifiers: ClinVar variation 134186 (VCV000134186.5), dbSNP rs60682853, ClinGen allele CA159046.

ClinVar aggregate classification (germline): Uncertain significance. Review status: criteria provided, multiple submitters, no conflicts (2 of 4 stars). 3 submissions from 3 submitters: Uncertain significance (2). 1 of the submissions does not count toward it. Last evaluated 2025-02-11.

Allele frequency attached by ClinVar (database versions not stated): gnomAD exomes 0.00002 and 0.00007; ESP Exome Variant Server 0.00008; ExAC 0.00009; gnomAD 0.00032 and 0.00033; TOPMed 0.00043; 1000 Genomes Project 0.00140; 1000 Genomes Project 30x 0.00203.

Submissions (3):

Women's Health and Genetics/Laboratory Corporation of America, LabCorp
Classification: Uncertain significance. Last evaluated: 2025-02-11. Review status: criteria provided, single submitter. Criteria: LabCorp Variant Classification Summary - May 2015. Collection method: clinical testing. Allele origin: germline.
Comment: Variant summary: ERCC5 c.1802A>G (p.Glu601Gly) results in a non-conservative amino acid change in the encoded protein sequence. Three of five in-silico tools predict a benign effect of the variant on protein function. The variant allele was found at a frequency of 7.2e-05 in 251340 control chromosomes. This frequency is not significantly higher than estimated for a pathogenic variant in ERCC5 causing Cerebrooculofacioskeletal Syndrome 3, allowing no conclusion about variant significance. To our knowledge, no occurrence of c.1802A>G in individuals affected with Cerebrooculofacioskeletal Syndrome 3 and no experimental evidence demonstrating its impact on protein function have been reported. ClinVar contains an entry for this variant (Variation ID: 134186). Based on the evidence outlined above, the variant was classified as uncertain significance.

Institute for Clinical Genetics, University Hospital TU Dresden, University Hospital TU Dresden
Classification: Uncertain significance. Last evaluated: 2021-11-03. Review status: criteria provided, single submitter. Criteria: ACMG Guidelines, 2015. Collection method: clinical testing. Allele origin: germline.

ITMI
No classification provided. Condition: AllHighlyPenetrant. Last evaluated: 2013-09-19. Review status: no classification provided. Collection method: reference population. Allele origin: germline. Not counted in ClinVar's aggregate classification.
Comment: Please see associated publication for description of ethnicities

Literature cited by the submitters: PubMed 24728327 (cited by ITMI).